The following is an entry in ClinVar:

ClinVar aggregate classification (germline): Conflicting classifications of pathogenicity. Review status: criteria provided, conflicting classifications (1 of 4 stars). 2 submissions from 2 submitters: Likely pathogenic (1); Uncertain significance (1). Last evaluated 2026-05-05.

Conditions:
ALG5-related disorder. Also called: ALG5-related condition.
Polycystic kidney disease 7 (PKD7). Identifiers: MedGen C5774222, MONDO:0031062, OMIM 620056.

Allele frequency attached by ClinVar (database versions not stated): gnomAD exomes below 0.00001; TOPMed below 0.00001.

Submissions (2):

PreventionGenetics, part of Exact Sciences
Classification: Uncertain significance for ALG5-related condition. Last evaluated: 2026-05-05. Review status: criteria provided, single submitter. Criteria: ACMG Guidelines, 2015. Collection method: clinical testing. Allele origin: germline.
Comment: The ALG5 c.115C>T variant is predicted to result in premature protein termination (p.Arg39*). To our knowledge, this variant has not been reported in the literature or in a large population database (gnomAD), indicating this variant is rare. To our knowledge, no premature protein termination variants upstream of this variant have been reported in the literature although this variant was classified as likely pathogenic by one submitter in ClinVar (Variation ID: 3236195). Although we suspect that this variant may be pathogenic, at this time, the clinical significance of this variant is uncertain due to the absence of conclusive functional and genetic evidence.

MVZ Medizinische Genetik Mainz
Classification: Likely pathogenic for Polycystic kidney disease 7. Last evaluated: 2023-04-04. Review status: criteria provided, single submitter. Criteria: UK Practice Guidelines For Variant Classification V4 01 2020. Collection method: clinical testing. Allele origin: germline. Inheritance: Autosomal dominant inheritance. Affected: yes. Observed: 1 variant allele.
Comment: ACMG Criteria: PVS1,PM2_SUP

NM_013338.5(ALG5):c.115C>T (p.Arg39Ter)

Gene: ALG5 (ALG5 dolichyl-phosphate beta-glucosyltransferase; minus strand). Cytogenetic location: 13q13.3.
Variant type: single nucleotide variant.
Coding change: c.115C>T on transcript NM_013338.5 (MANE Select); coding-DNA position 115, C replaced by T.
Protein change: p.Arg39Ter; replaces arginine 39 with a stop codon.
Molecular consequence: nonsense.
Genome position (GRCh38, 1-based): chr13:36,995,548, G>A on the plus strand (C>T on the coding strand, the complement: ALG5 is on the minus strand). VCF-style: chr13-36995548-G-A. GRCh37 (hg19) VCF-style: chr13-37569685-G-A.
Other names: c.115C>T, p.Arg39Ter (NM_001142364.1); c.115C>T (NM_013338.4); short protein forms R39*.
Identifiers: ClinVar variation 3236195 (VCV003236195.2), dbSNP rs2059045469, ClinGen allele CA387866107.
Genomic context (GRCh38, chr13:36,995,548, plus strand): 5'-TGCTGGGTAAAGTTTCTTTCTGGCCTTTGGCATTTAAGAAGAATTTCTCTTCTTCATGTC[G>A]ATGGAGTGCTGGCATTTTTGTAGCAGTTGTAAATGCAACGATGGAAATCTAAAAGCAGAC-3'